The following is an entry in ClinVar:

ClinVar aggregate classification (germline): Pathogenic (1 of 4 stars; one submission).

Submission:

Clinical Genomics Laboratory, Laboratory for Precision Diagnostics, University of Washington
Classification: Pathogenic. Last evaluated: 2023-10-17. Review status: criteria provided, single submitter. Criteria: ACMG/ClinGen CNV Guidelines, 2019. Collection method: clinical testing. Allele origin: unknown. Affected: yes. Observed: 1 variant allele.
Comment: This terminal deletion is approximately 21.1 Mb in size and contains 66 protein-coding genes. A terminal deletion of chromosome 18q can cause a wide spectrum of health problems (PMID: 37296475). Common features are short stature, low muscle tone, congenital foot abnormalities and some degree of cognitive or intellectual disability. Ambiguous genitalia and genital abnormalities have been reported (PMID: 3617117), as has facial clefting (PMID: 36123715).

Literature cited by the submitters: PubMed 3617117; PubMed 30448861; PubMed 37296475; PubMed 23495172; PubMed 24912803; PubMed 36123715.

GRCh38/hg38 18q21.32-23(chr18:59125397-80257297)x1

Genes: ADNP2 (ADNP homeobox 2; plus strand), ATP9B (ATPase phospholipid transporting 9B; plus strand), BCL2 (BCL2 apoptosis regulator; minus strand), C18orf63 (chromosome 18 open reading frame 63; plus strand), CBLN2 (cerebellin 2 precursor; minus strand) and 474 more. Cytogenetic location: 18q21.32-23.
Variant type: copy number loss.
Change: copy number 1 (one copy instead of two) of chr18:59,125,397-80,257,297 (21.13 Mb, GRCh38 coordinates, 1-based), cytogenetic band 18q21.32-23.
Identifiers: ClinVar variation 4890955 (VCV004890955.1).